The following is an entry in ClinVar:

ClinVar aggregate classification (germline): Likely pathogenic (1 of 4 stars; one submission).

Conditions:
Fanconi anemia (FA). Also called: Fanconi's anemia. Identifiers: Orphanet 84, MedGen C0015625, MeSH D005199, MONDO:0019391.

Submission:

Natera, Inc.
Classification: Likely pathogenic for Fanconi anemia. Last evaluated: 2025-12-29. Review status: criteria provided, single submitter. Criteria: Natera Variant Classification Schema (03/2026). Collection method: clinical testing. Allele origin: germline.
Comment: The c.2915G>T variant in FANCA is a missense variant predicted to cause substitution of glycine to valine at amino acid 972. This variant is rare in the general population with a frequency below the threshold expected for the associated phenotype(s). This variant has been observed in one or more individuals affected with the associated recessive disease, as either homozygous or compound heterozygous with a second variant (PMID: 27041517). Additionally, this variant has been observed to segregate in affected family members (PMID: 27041517). This variant has been identified in one or more affected individual with a phenotype highly consistent with the associated gene (PMID: 27041517). Computational prediction algorithms indicate this variant is likely to affect gene or protein function. Given the available evidence, this variant is classified as Likely Pathogenic.

Literature cited by the submitters: PubMed 27041517.

NM_000135.4(FANCA):c.2915G>T (p.Gly972Val)

Gene: FANCA (FA complementation group A; minus strand). Cytogenetic location: 16q24.3.
Variant type: single nucleotide variant.
Coding change: c.2915G>T on transcript NM_000135.4 (MANE Select); coding-DNA position 2915, G replaced by T.
Protein change: p.Gly972Val; replaces glycine 972 with valine.
Molecular consequence: missense variant.
Genome position (GRCh38, 1-based): chr16:89,758,643, C>A on the plus strand (G>T on the coding strand, the complement: FANCA is on the minus strand). VCF-style: chr16-89758643-C-A. GRCh37 (hg19) VCF-style: chr16-89825051-C-A.
Other names: c.2915G>T, p.Gly972Val (NM_001286167.3); short protein forms G972V.
Identifiers: ClinVar variation 4817526 (VCV004817526.1).